The following is an entry in ClinVar:

NM_000179.3(MSH6):c.4001+15_4001+35del

Gene: MSH6 (mutS homolog 6; plus strand). Cytogenetic location: 2p16.3.
Variant type: Deletion.
Coding change: c.4001+15_4001+35del on transcript NM_000179.3 (MANE Select); bases 15 to 35 of the intron after coding-DNA position 4001, 21 bases deleted (ATAATGGAATTATAACTAACT).
Molecular consequence: intron variant.
Genome position (GRCh38, 1-based): chr2:47,806,666-47,806,686, ATAATGGAATTATAACTAACT deleted; deleting any 21 consecutive bases within chr2:47,806,657-47,806,686 gives the same sequence; the c. name uses the placement nearest the transcript's 3' end. VCF-style (leftmost placement, unchanged base first): chr2-47806656-CTAACTAACTATAATGGAATTA-C. GRCh37 (hg19) VCF-style: chr2-48033795-CTAACTAACTATAATGGAATTA-C.
Other names: c.4001+15_4001+35delATAATGGAATTATAACTAACT (NM_000179.2); c.3095+15_3095+35del (NM_001281493.2, NM_001281494.2); c.3611+15_3611+35del (NM_001281492.2); c.4001+15_4001+35del21 (NM_000179.2).
Identifiers: ClinVar variation 421027 (VCV000421027.10), dbSNP rs576893678, ClinGen allele CA16617722.

ClinVar aggregate classification (germline): Likely benign. Review status: criteria provided, multiple submitters, no conflicts (2 of 4 stars). 3 submissions from 3 submitters: Likely benign (3). Last evaluated 2025-07-15.

Conditions:
Hereditary nonpolyposis colorectal neoplasms. Identifiers: MedGen C0009405, MeSH D003123.
Hereditary cancer-predisposing syndrome. Also called: Hereditary neoplastic syndrome; Tumor predisposition; Neoplastic Syndromes, Hereditary; Hereditary Cancer Syndrome. Identifiers: Orphanet 140162, MedGen C0027672, MeSH D009386, MONDO:0015356.

Submissions (3):

Color Diagnostics, LLC DBA Color Health
Classification: Likely benign for Hereditary cancer-predisposing syndrome. Last evaluated: 2025-07-15. Review status: criteria provided, single submitter. Criteria: ACMG Guidelines, 2015. Collection method: clinical testing. Allele origin: germline.

Labcorp Genetics (formerly Invitae), Labcorp
Classification: Likely benign for Hereditary nonpolyposis colorectal neoplasms. Last evaluated: 2024-05-29. Review status: criteria provided, single submitter. Criteria: Invitae Variant Classification Sherloc (09022015). Collection method: clinical testing. Allele origin: germline.

GeneDx
Classification: Likely benign. Last evaluated: 2016-04-22. Review status: criteria provided, single submitter. Criteria: GeneDx Variant Classification (06012015). Collection method: clinical testing. Allele origin: germline. Affected: yes.
Comment: This variant is considered likely benign or benign based on one or more of the following criteria: it is a conservative change, it occurs at a poorly conserved position in the protein, it is predicted to be benign by multiple in silico algorithms, and/or has population frequency not consistent with disease.